The following is an entry in ClinVar:

NM_001127178.3(PIGG):c.165T>A (p.Ser55=)

Gene: PIGG (phosphatidylinositol glycan anchor biosynthesis class G (EMM blood group); plus strand). Cytogenetic location: 4p16.3.
Variant type: single nucleotide variant.
Coding change: c.165T>A on transcript NM_001127178.3 (MANE Select); coding-DNA position 165, T replaced by A.
Protein change: p.Ser55=; no amino-acid change (serine 55 retained).
Molecular consequence: synonymous variant. On other transcripts: 5 prime UTR variant (10), non-coding transcript variant (10).
Genome position (GRCh38, 1-based): chr4:500,406, T>A. VCF-style: chr4-500406-T-A. GRCh37 (hg19) VCF-style: chr4-494195-T-A.
Other names: c.-103T>A (NM_001289051.2, NM_001289053.2, NM_001289057.2 and 2 more transcripts); c.165T>A, p.Ser55= (NM_001289052.2, NM_001345989.2, NM_017733.5); c.-272T>A (NM_001289055.2); c.-723T>A (NM_001345988.2); c.-1461T>A (NM_001345990.2); c.-1323T>A (NM_001345991.2); c.-1048T>A (NM_001345994.2).
Identifiers: ClinVar variation 1577322 (VCV001577322.31), dbSNP rs138983583, ClinGen allele CA2792930.
Genomic context (GRCh38, chr4:500,406, plus strand): 5'-CTAAGGAAAGTTTAGAGTTCAATTTCCTTTTTTTTCTTTCAAACACTTAGGAGCCAGTTC[T>A]AACTGGACCACGCTGCCACCACCTCTCTTCAGTAAAGTTGTTATTGTTCTGATAGATGCC-3'
Protein context (NP_001120650.1, residues 45-65): PAPEPSAGAS[Ser55=]NWTTLPPPLF

ClinVar aggregate classification (germline): Likely benign. Review status: criteria provided, multiple submitters, no conflicts (2 of 4 stars). 3 submissions from 3 submitters: Likely benign (3). Last evaluated 2025-06-09.

Conditions:
Intellectual disability, autosomal recessive 53 (NEDHSCA). Also called: NEURODEVELOPMENTAL DISORDER WITH OR WITHOUT HYPOTONIA, SEIZURES, AND CEREBELLAR ATROPHY; GLYCOSYLPHOSPHATIDYLINOSITOL BIOSYNTHESIS DEFECT 13; Mental retardation, autosomal recessive 53. Identifiers: Orphanet 488635, MedGen C4310794, MONDO:0014832, OMIM 616917.

Allele frequency attached by ClinVar (database versions not stated): gnomAD 0.00003 and 0.00004; gnomAD exomes 0.00003 and 0.00004; ExAC 0.00004; TOPMed 0.00004; ESP Exome Variant Server 0.00015.
gnomAD v4.1: 43 of 1,613,078 alleles (0.0027%); highest among the groups gnomAD compares: Admixed American, 0.0033%; no homozygotes.

Submissions (3):

Labcorp Genetics (formerly Invitae), Labcorp
Classification: Likely benign for Intellectual disability, autosomal recessive 53. Last evaluated: 2025-06-09. Review status: criteria provided, single submitter. Criteria: Invitae Variant Classification Sherloc (09022015). Collection method: clinical testing. Allele origin: germline.

Blueprint Genetics
Classification: Likely benign. Last evaluated: 2024-08-21. Review status: criteria provided, single submitter. Criteria: ACMG Guidelines, 2015. Collection method: clinical testing. Allele origin: germline.

CeGaT Center for Human Genetics Tuebingen
Classification: Likely benign. Last evaluated: 2024-02-01. Review status: criteria provided, single submitter. Criteria: CeGaT Center For Human Genetics Tuebingen Variant Classification Criteria Version 2. Collection method: clinical testing. Allele origin: germline. Affected: yes. Observed: 1 variant allele.
Comment: PIGG: BP4, BP7